The following is an entry in ClinVar:

NM_000138.5(FBN1):c.248C>T (p.Pro83Leu)

Gene: FBN1 (fibrillin 1; minus strand). Cytogenetic location: 15q21.1.
Variant type: single nucleotide variant.
Coding change: c.248C>T on transcript NM_000138.5 (MANE Select); coding-DNA position 248, C replaced by T.
Protein change: p.Pro83Leu; replaces proline 83 with leucine.
Molecular consequence: missense variant.
Genome position (GRCh38, 1-based): chr15:48,610,826, G>A on the plus strand (C>T on the coding strand, the complement: FBN1 is on the minus strand). VCF-style: chr15-48610826-G-A. GRCh37 (hg19) VCF-style: chr15-48903023-G-A.
Other names: short protein forms P83L.
Identifiers: ClinVar variation 1057274 (VCV001057274.9), dbSNP rs1206249804, ClinGen allele CA392447206.

ClinVar aggregate classification (germline): Uncertain significance (1 of 4 stars; one submission).

Conditions:
Marfan syndrome (MFS). Also called: FBN1-Related Marfan Syndrome; MARFAN SYNDROME, TYPE I; Marfan syndrome type 1; Marfan's syndrome; Marfan syndrome, classic. Identifiers: Orphanet 284963, Orphanet 558, MedGen C0024796, MONDO:0007947, OMIM 154700.
Familial thoracic aortic aneurysm and aortic dissection (TAAD). Also called: Thoracic aortic aneurysms and dissections. Identifiers: Orphanet 91387, MedGen C4707243, MONDO:0019625.

Submission:

Labcorp Genetics (formerly Invitae), Labcorp
Classification: Uncertain significance for Marfan syndrome; Familial thoracic aortic aneurysm and aortic dissection. Last evaluated: 2025-06-01. Review status: criteria provided, single submitter. Criteria: Invitae Variant Classification Sherloc (09022015). Collection method: clinical testing. Allele origin: germline.
Comment: This sequence change replaces proline, which is neutral and non-polar, with leucine, which is neutral and non-polar, at codon 83 of the FBN1 protein (p.Pro83Leu). This variant is not present in population databases (gnomAD no frequency). This missense change has been observed in individual(s) with Marfan syndrome (PMID: 32679894; internal data). ClinVar contains an entry for this variant (Variation ID: 1057274). An algorithm developed to predict the effect of missense changes on protein structure and function (PolyPhen-2) suggests that this variant is likely to be disruptive. In summary, the available evidence is currently insufficient to determine the role of this variant in disease. Therefore, it has been classified as a Variant of Uncertain Significance.

Literature cited by the submitters: PubMed 32679894.